The following is an entry in ClinVar:

ClinVar aggregate classification (germline): Uncertain significance (1 of 4 stars; one submission).

Submission:

Labcorp Genetics (formerly Invitae), Labcorp
Classification: Uncertain significance. Last evaluated: 2025-06-22. Review status: criteria provided, single submitter. Criteria: Invitae Variant Classification Sherloc (09022015). Collection method: clinical testing. Allele origin: germline.
Comment: This sequence change replaces methionine, which is neutral and non-polar, with lysine, which is basic and polar, at codon 1384 of the C3 protein (p.Met1384Lys). This variant is not present in population databases (gnomAD no frequency). This variant has not been reported in the literature in individuals affected with C3-related conditions. Invitae Evidence Modeling of protein sequence and biophysical properties (such as structural, functional, and spatial information, amino acid conservation, physicochemical variation, residue mobility, and thermodynamic stability) indicates that this missense variant is not expected to disrupt C3 protein function with a negative predictive value of 80%. In summary, the available evidence is currently insufficient to determine the role of this variant in disease. Therefore, it has been classified as a Variant of Uncertain Significance.

NM_000064.4(C3):c.4151T>A (p.Met1384Lys)

Gene: C3 (complement C3; minus strand). Cytogenetic location: 19p13.3.
Variant type: single nucleotide variant.
Coding change: c.4151T>A on transcript NM_000064.4 (MANE Select); coding-DNA position 4151, T replaced by A.
Protein change: p.Met1384Lys; replaces methionine 1384 with lysine.
Molecular consequence: missense variant.
Genome position (GRCh38, 1-based): chr19:6,684,409, A>T on the plus strand (T>A on the coding strand, the complement: C3 is on the minus strand). VCF-style: chr19-6684409-A-T. GRCh37 (hg19) VCF-style: chr19-6684420-A-T.
Other names: short protein forms M1384K.
Identifiers: ClinVar variation 4704464 (VCV004704464.1).
Genomic context (GRCh38, chr19:6,684,409, plus strand): 5'-GGGATGGCCAAGATGAACCCCGGTGACCTAGCTTCTTACCTGGTACAGATCTCAAGGATC[A>T]TAGTGTTCTTGGCATCCTGAGGCCTCTTTTCTAGAAACACAGAAGAGAGAAAGATGGGAG-3'
Protein context (NP_000055.2, residues 1374-1394): EKRPQDAKNT[Met1384Lys]ILEICTRYRG